The following is an entry in ClinVar:

ClinVar aggregate classification (germline): Uncertain significance (1 of 4 stars; one submission).

Conditions:
Hereditary cancer-predisposing syndrome. Also called: Neoplastic Syndromes, Hereditary; Tumor predisposition; Hereditary Cancer Syndrome; Hereditary neoplastic syndrome. Identifiers: Orphanet 140162, MedGen C0027672, MeSH D009386, MONDO:0015356.

Allele frequency attached by ClinVar (database versions not stated): gnomAD exomes below 0.00001.
gnomAD v4.1: 1 of 1,613,468 alleles (0.000062%); highest among the groups gnomAD compares: Non-Finnish European, 0.000085%; no homozygotes.

Submission:

Color Diagnostics, LLC DBA Color Health
Classification: Uncertain significance for Hereditary cancer-predisposing syndrome. Last evaluated: 2024-03-06. Review status: criteria provided, single submitter. Criteria: ACMG Guidelines, 2015. Collection method: clinical testing. Allele origin: germline.
Comment: This missense variant replaces glycine with aspartic acid at codon 2407 of the APC protein. Computational prediction tool suggests that this variant may not impact protein structure and function (internally defined REVEL score threshold <=0.5, PMID: 27666373). Splice site prediction tools suggest that this variant may not impact RNA splicing. To our knowledge, functional studies have not been performed for this variant. This variant has not been reported in individuals affected with hereditary cancer in the literature. This variant has been identified in 1/249986 chromosomes in the general population by the Genome Aggregation Database (gnomAD). The available evidence is insufficient to determine the role of this variant in disease conclusively. Therefore, this variant is classified as a Variant of Uncertain Significance.

NM_000038.6(APC):c.7220G>A (p.Gly2407Asp)

Gene: APC (APC regulator of Wnt signaling pathway; plus strand). Cytogenetic location: 5q22.2.
Variant type: single nucleotide variant.
Coding change: c.7220G>A on transcript NM_000038.6 (MANE Select); coding-DNA position 7220, G replaced by A.
Protein change: p.Gly2407Asp; replaces glycine 2407 with aspartic acid.
Molecular consequence: missense variant.
Genome position (GRCh38, 1-based): chr5:112,842,814, G>A. VCF-style: chr5-112842814-G-A. GRCh37 (hg19) VCF-style: chr5-112178511-G-A.
Other names: c.7220G>A, p.Gly2407Asp (NM_001127510.3, NM_001354895.2); c.7166G>A, p.Gly2389Asp (NM_001127511.3); c.7274G>A, p.Gly2425Asp (NM_001354896.2); c.7250G>A, p.Gly2417Asp (NM_001354897.2); c.7145G>A, p.Gly2382Asp (NM_001354898.2); c.7136G>A, p.Gly2379Asp (NM_001354899.2); c.7097G>A, p.Gly2366Asp (NM_001354900.2); c.7043G>A, p.Gly2348Asp (NM_001354901.2); and 5 more; short protein forms G2379D, G2417D, G2348D, G2124D, G2247D, G2281D, G2306D, G2316D.
Identifiers: ClinVar variation 923477 (VCV000923477.4), dbSNP rs1312870922, ClinGen allele CA16037057.
Genomic context (GRCh38, chr5:112,842,814, plus strand): 5'-ATGCCAGTAGTATTCCAAGAAGTGAGTCTGCCTCCAAAGGACTAAATCAGATGAATAATG[G>A]TAATGGAGCCAATAAAAAGGTAGAACTTTCTAGAATGTCTTCAACTAAATCAAGTGGAAG-3'
Protein context (NP_000029.2, residues 2397-2417): ASKGLNQMNN[Gly2407Asp]NGANKKVELS